The following is an entry in ClinVar:

NM_003590.5(CUL3):c.696A>G (p.Val232=)

Gene: CUL3 (cullin 3; minus strand). Cytogenetic location: 2q36.2.
Variant type: single nucleotide variant.
Coding change: c.696A>G on transcript NM_003590.5 (MANE Select); coding-DNA position 696, A replaced by G.
Protein change: p.Val232=; no amino-acid change (valine 232 retained).
Molecular consequence: synonymous variant.
Genome position (GRCh38, 1-based): chr2:224,511,541, T>C on the plus strand (A>G on the coding strand, the complement: CUL3 is on the minus strand). VCF-style: chr2-224511541-T-C. GRCh37 (hg19) VCF-style: chr2-225376258-T-C.
Other names: c.498A>G, p.Val166= (NM_001257197.2); c.714A>G, p.Val238= (NM_001257198.2).
Identifiers: ClinVar variation 1879522 (VCV001879522.32), dbSNP rs1366380820, ClinGen allele CA431496660.

ClinVar aggregate classification (germline): Conflicting classifications of pathogenicity. Review status: criteria provided, conflicting classifications (1 of 4 stars). 2 submissions from 2 submitters: Uncertain significance (1); Likely benign (1). Last evaluated 2022-11-14.

Allele frequency attached by ClinVar (database versions not stated): gnomAD 0.00001; gnomAD exomes 0.00001; TOPMed 0.00001.
gnomAD v4.1: 11 of 1,608,506 alleles (0.00068%); highest among the groups gnomAD compares: South Asian, 0.0011%; no homozygotes.

Submissions (2):

Labcorp Genetics (formerly Invitae), Labcorp
Classification: Likely benign. Last evaluated: 2022-11-14. Review status: criteria provided, single submitter. Criteria: Invitae Variant Classification Sherloc (09022015). Collection method: clinical testing. Allele origin: germline.

CeGaT Center for Human Genetics Tuebingen
Classification: Uncertain significance. Last evaluated: 2022-11-01. Review status: criteria provided, single submitter. Criteria: CeGaT Center For Human Genetics Tuebingen Variant Classification Criteria Version 2. Collection method: clinical testing. Allele origin: germline. Affected: yes. Observed: 1 variant allele.
Comment: CUL3: PM2, BP4